The following is an entry in ClinVar:

NM_017837.4(PIGV):c.936G>T (p.Trp312Cys)

Gene: PIGV (phosphatidylinositol glycan anchor biosynthesis class V; plus strand). Cytogenetic location: 1p36.11.
Variant type: single nucleotide variant.
Coding change: c.936G>T on transcript NM_017837.4 (MANE Select); coding-DNA position 936, G replaced by T.
Protein change: p.Trp312Cys; replaces tryptophan 312 with cysteine.
Molecular consequence: missense variant. On other transcripts: non-coding transcript variant (1), intron variant (1).
Genome position (GRCh38, 1-based): chr1:26,794,970, G>T. VCF-style: chr1-26794970-G-T. GRCh37 (hg19) VCF-style: chr1-27121461-G-T.
Other names: c.936G>T, p.Trp312Cys (NM_001202554.2, NM_001374478.1, NM_001374480.1 and 2 more transcripts); c.555G>T, p.Trp185Cys (NM_001374483.1); c.309G>T, p.Trp103Cys (NM_001374484.1, NM_001374485.1); c.79-2593G>T (NM_001374486.1); c.936G>T (NM_017837.3); short protein forms W103C, W185C, W312C.
Identifiers: ClinVar variation 1410000 (VCV001410000.9), dbSNP rs1162224599, ClinGen allele CA339201164.
Genomic context (GRCh38, chr1:26,794,970, plus strand): 5'-ACCGCCTTGGTGCTTCTGGGATGTTCCACTAATATACAGCTATATCCAGGATGTCTACTG[G>T]AATGTTGGCTTTTTGAAATACTATGAGCTCAAGCAGGTGCCCAATTTTCTACTGGCTGCA-3'
Protein context (NP_060307.2, residues 302-322): LIYSYIQDVY[Trp312Cys]NVGFLKYYEL

ClinVar aggregate classification (germline): Uncertain significance. Review status: criteria provided, multiple submitters, no conflicts (2 of 4 stars). 2 submissions from 2 submitters: Uncertain significance (2). Last evaluated 2022-08-15.

Conditions:
Inborn genetic diseases. Identifiers: MedGen C0950123, MeSH D030342.

Allele frequency attached by ClinVar (database versions not stated): gnomAD exomes below 0.00001.
gnomAD v4.1: 4 of 1,614,050 alleles (0.00025%); highest among the groups gnomAD compares: Middle Eastern, 0.016%; no homozygotes.

Submissions (2):

Labcorp Genetics (formerly Invitae), Labcorp
Classification: Uncertain significance. Last evaluated: 2022-08-15. Review status: criteria provided, single submitter. Criteria: Invitae Variant Classification Sherloc (09022015). Collection method: clinical testing. Allele origin: germline.
Comment: In summary, the available evidence is currently insufficient to determine the role of this variant in disease. Therefore, it has been classified as a Variant of Uncertain Significance. Algorithms developed to predict the effect of missense changes on protein structure and function (SIFT, PolyPhen-2, Align-GVGD) all suggest that this variant is likely to be disruptive. ClinVar contains an entry for this variant (Variation ID: 1410000). This variant has not been reported in the literature in individuals affected with PIGV-related conditions. The frequency data for this variant in the population databases is considered unreliable, as metrics indicate poor data quality at this position in the gnomAD database. This sequence change replaces tryptophan, which is neutral and slightly polar, with cysteine, which is neutral and slightly polar, at codon 312 of the PIGV protein (p.Trp312Cys).

Ambry Genetics
Classification: Uncertain significance for Inborn genetic diseases. Last evaluated: 2022-05-26. Review status: criteria provided, single submitter. Criteria: Ambry Variant Classification Scheme 2023. Collection method: clinical testing. Allele origin: germline.